The following is an entry in ClinVar:

GRCh37/hg19 21q22.2-22.3(chr21:40681179-48097372)x1

Genes: FTCD (formimidoyltransferase cyclodeaminase; minus strand), GATD3 (glutamine amidotransferase class 1 domain containing 3; plus strand), GET1 (guided entry of tail-anchored proteins factor 1; plus strand), ABCG1 (ATP binding cassette subfamily G member 1; plus strand), ADARB1 (adenosine deaminase RNA specific B1; plus strand) and 89 more. Cytogenetic location: 21q22.2-22.3.
Variant type: copy number loss.
Change: copy number 1 (one copy instead of two) of chr21:40,681,179-48,097,372 (7.42 Mb, GRCh37 coordinates, 1-based), cytogenetic band 21q22.2-22.3.
Identifiers: ClinVar variation 2685664 (VCV002685664.1).

ClinVar aggregate classification (germline): Pathogenic (1 of 4 stars; one submission).

Submission:

Quest Diagnostics Nichols Institute San Juan Capistrano
Classification: Pathogenic. Last evaluated: 2022-11-09. Review status: criteria provided, single submitter. Criteria: ACMG/ClinGen CNV Guidelines, 2019. Collection method: clinical testing. Allele origin: unknown.
Comment: This terminal deletion involves 101 protein-coding genes, including the entire DSCAM gene (OMIM 602523), haploinsufficiency of which is a risk factor for autism (Wang et al., Nat Commun. 2016 Nov 8;7:13316., PMID: 27824329; Turner et al., Am J Hum Genet. 2016 Jan 7;98(1):58-74., PMID: 26749308; C Yuen et al., Nat Neurosci. 2017 Apr;20(4):602-611., PMID: 28263302). In addition, overlapping deletions of this region have been reported in patients with intellectual disability/developmental delays, dysmorphic features, and other clinical issues (Sgardioli et al., Congenit Anom (Kyoto). 2018 Sep;58(5):178-180., PMID: 29322562; Valetto et al., Eur J Med Genet. 2012 May;55(5):362-6., PMID: 22548977; Roberson, et al., Eur J Hum Genet. 2011 Feb;19(2):235-8. PMID: 20823914).